The following is an entry in ClinVar:

ClinVar aggregate classification (germline): Uncertain significance (1 of 4 stars; one submission).

Allele frequency attached by ClinVar (database versions not stated): gnomAD exomes below 0.00001.
gnomAD v4.1: 1 of 1,612,476 alleles (0.000062%); highest among the groups gnomAD compares: Non-Finnish European, 0.000085%; no homozygotes.

Submission:

Labcorp Genetics (formerly Invitae), Labcorp
Classification: Uncertain significance. Last evaluated: 2022-08-05. Review status: criteria provided, single submitter. Criteria: Invitae Variant Classification Sherloc (09022015). Collection method: clinical testing. Allele origin: germline.
Comment: In summary, the available evidence is currently insufficient to determine the role of this variant in disease. Therefore, it has been classified as a Variant of Uncertain Significance. Advanced modeling of protein sequence and biophysical properties (such as structural, functional, and spatial information, amino acid conservation, physicochemical variation, residue mobility, and thermodynamic stability) performed at Invitae indicates that this missense variant is not expected to disrupt SI protein function. This variant has not been reported in the literature in individuals affected with SI-related conditions. This variant is not present in population databases (gnomAD no frequency). This sequence change replaces alanine, which is neutral and non-polar, with threonine, which is neutral and polar, at codon 436 of the SI protein (p.Ala436Thr).

NM_001041.4(SI):c.1306G>A (p.Ala436Thr)

Gene: SI (sucrase-isomaltase; minus strand). Cytogenetic location: 3q26.1.
Variant type: single nucleotide variant.
Coding change: c.1306G>A on transcript NM_001041.4 (MANE Select); coding-DNA position 1306, G replaced by A.
Protein change: p.Ala436Thr; replaces alanine 436 with threonine.
Molecular consequence: missense variant.
Genome position (GRCh38, 1-based): chr3:165,059,055, C>T on the plus strand (G>A on the coding strand, the complement: SI is on the minus strand). VCF-style: chr3-165059055-C-T. GRCh37 (hg19) VCF-style: chr3-164776843-C-T.
Other names: short protein forms A436T.
Identifiers: ClinVar variation 1715063 (VCV001715063.5), dbSNP rs2473406574, ClinGen allele CA355029361.